The following is an entry in ClinVar:

ClinVar aggregate classification (germline): Uncertain significance (1 of 4 stars; one submission).

Allele frequency attached by ClinVar (database versions not stated): TOPMed below 0.00001; gnomAD 0.00001.
gnomAD v4.1: 9 of 1,612,880 alleles (0.00056%); highest among the groups gnomAD compares: Non-Finnish European, 0.00076%; no homozygotes.

Submission:

Labcorp Genetics (formerly Invitae), Labcorp
Classification: Uncertain significance. Last evaluated: 2025-01-21. Review status: criteria provided, single submitter. Criteria: Invitae Variant Classification Sherloc (09022015). Collection method: clinical testing. Allele origin: germline.
Comment: This sequence change replaces threonine, which is neutral and polar, with asparagine, which is neutral and polar, at codon 183 of the NPAT protein (p.Thr183Asn). This variant is present in population databases (no rsID available, gnomAD 0.0009%). This variant has not been reported in the literature in individuals affected with NPAT-related conditions. ClinVar contains an entry for this variant (Variation ID: 2801141). An algorithm developed to predict the effect of missense changes on protein structure and function outputs the following: PolyPhen-2: "Benign". The asparagine amino acid residue is found in multiple mammalian species, which suggests that this missense change does not adversely affect protein function. In summary, the available evidence is currently insufficient to determine the role of this variant in disease. Therefore, it has been classified as a Variant of Uncertain Significance.

NM_002519.3(NPAT):c.548C>A (p.Thr183Asn)

Gene: NPAT (nuclear protein, coactivator of histone transcription; minus strand). Cytogenetic location: 11q22.3.
Variant type: single nucleotide variant.
Coding change: c.548C>A on transcript NM_002519.3 (MANE Select); coding-DNA position 548, C replaced by A.
Protein change: p.Thr183Asn; replaces threonine 183 with asparagine.
Molecular consequence: missense variant.
Genome position (GRCh38, 1-based): chr11:108,189,114, G>T on the plus strand (C>A on the coding strand, the complement: NPAT is on the minus strand). VCF-style: chr11-108189114-G-T. GRCh37 (hg19) VCF-style: chr11-108059841-G-T.
Other names: c.548C>A, p.Thr183Asn (NM_001321307.1); short protein forms T183N.
Identifiers: ClinVar variation 2801141 (VCV002801141.3), dbSNP rs1467395271, ClinGen allele CA382523997.